The following is an entry in ClinVar:

NM_001142800.2(EYS):c.152T>C (p.Leu51Ser)

Gene: EYS (eyes shut homolog; minus strand). Cytogenetic location: 6q12.
Variant type: single nucleotide variant.
Coding change: c.152T>C on transcript NM_001142800.2 (MANE Select); coding-DNA position 152, T replaced by C.
Protein change: p.Leu51Ser; replaces leucine 51 with serine.
Molecular consequence: missense variant.
Genome position (GRCh38, 1-based): chr6:65,495,259, A>G on the plus strand (T>C on the coding strand, the complement: EYS is on the minus strand). VCF-style: chr6-65495259-A-G. GRCh37 (hg19) VCF-style: chr6-66205152-A-G.
Other names: c.152T>C, p.Leu51Ser (NM_001142801.2, NM_001292009.2, NM_198283.2); short protein forms L51S.
Identifiers: ClinVar variation 958768 (VCV000958768.8), dbSNP rs1489559245, ClinGen allele CA364790539.

ClinVar aggregate classification (germline): Uncertain significance. Review status: criteria provided, single submitter (1 of 4 stars). 2 submissions from 2 submitters: Uncertain significance (1). 1 of the submissions does not count toward it. Last evaluated 2022-07-23.

Conditions:
Retinitis pigmentosa 25 (RP25). Identifiers: Orphanet 791, MedGen C1864446, MONDO:0011272, OMIM 602772.

Allele frequency attached by ClinVar (database versions not stated): gnomAD exomes below 0.00001; TOPMed below 0.00001; gnomAD 0.00001.

Submissions (2):

Labcorp Genetics (formerly Invitae), Labcorp
Classification: Uncertain significance. Last evaluated: 2022-07-23. Review status: criteria provided, single submitter. Criteria: Invitae Variant Classification Sherloc (09022015). Collection method: clinical testing. Allele origin: germline.
Comment: This sequence change replaces leucine, which is neutral and non-polar, with serine, which is neutral and polar, at codon 51 of the EYS protein (p.Leu51Ser). This variant is not present in population databases (gnomAD no frequency). This variant has not been reported in the literature in individuals affected with EYS-related conditions. ClinVar contains an entry for this variant (Variation ID: 958768). Algorithms developed to predict the effect of missense changes on protein structure and function (SIFT, PolyPhen-2, Align-GVGD) all suggest that this variant is likely to be tolerated. In summary, the available evidence is currently insufficient to determine the role of this variant in disease. Therefore, it has been classified as a Variant of Uncertain Significance.

Natera, Inc.
Classification: Uncertain significance for Retinitis pigmentosa type 25. Last evaluated: 2020-03-11. Review status: no assertion criteria provided. Collection method: clinical testing. Allele origin: germline. Not counted in ClinVar's aggregate classification.